The following is an entry in ClinVar:

ClinVar aggregate classification (germline): Conflicting classifications of pathogenicity. Review status: criteria provided, conflicting classifications (1 of 4 stars). 6 submissions from 6 submitters: Likely pathogenic (2); Uncertain significance (3). 1 of the submissions does not count toward it. Last evaluated 2025-12-17.

Conditions:
TTN-related disorder. Also called: TTN-related disorders; TTN-related condition; TTN-related disease.
Dilated cardiomyopathy 1G (CMD1G). Identifiers: Orphanet 154, MedGen C1858763, MONDO:0011400, OMIM 604145.
Autosomal recessive limb-girdle muscular dystrophy type 2J (LGMDR10). Also called: Limb-girdle muscular dystrophy, type 2J; MUSCULAR DYSTROPHY, LIMB-GIRDLE, AUTOSOMAL RECESSIVE 10. Identifiers: Orphanet 140922, MedGen C1837342, MONDO:0012127, OMIM 608807.
Early-onset myopathy with fatal cardiomyopathy (CMYO5). Also called: Salih Myopathy; CONGENITAL MYOPATHY 5 WITH CARDIOMYOPATHY. Identifiers: Orphanet 289377, MedGen C2673677, MONDO:0012714, OMIM 611705. Disease mechanism: loss of function.
Tibial muscular dystrophy (TMD). Also called: UDD MYOPATHY; Tibial muscular dystrophy, tardive; Udd Distal Myopathy – Tibial Muscular Dystrophy. Identifiers: Orphanet 609, MedGen C1838244, MONDO:0010870, OMIM 600334.
Myopathy, myofibrillar, 9, with early respiratory failure (MFM9). Also called: Hereditary myopathy with early respiratory failure; MYOPATHY, PROXIMAL, WITH EARLY RESPIRATORY MUSCLE INVOLVEMENT; Myopathy, distal, with early respiratory failure, autosomal dominant; EDSTROM MYOPATHY. Identifiers: Orphanet 178464, Orphanet 34521, MedGen C1863599, MONDO:0011362, OMIM 603689.
Hypertrophic cardiomyopathy 9. Also called: Familial hypertrophic cardiomyopathy 9. Identifiers: MedGen C1861065, MONDO:0013412, OMIM 613765.

Allele frequency attached by ClinVar (database versions not stated): gnomAD exomes below 0.00001 and 0.00001; TOPMed below 0.00001; ExAC 0.00001; gnomAD 0.00001.
gnomAD v4.1: 14 of 1,613,230 alleles (0.00087%); highest among the groups gnomAD compares: South Asian, 0.0011%; no homozygotes.

Submissions (6):

PreventionGenetics, part of Exact Sciences
Classification: Likely pathogenic for TTN-related condition. Last evaluated: 2025-12-17. Review status: criteria provided, single submitter. Criteria: ACMG Guidelines, 2015. Collection method: clinical testing. Allele origin: germline.
Comment: The TTN c.22633C>T variant is predicted to result in premature protein termination (p.Arg7545*). This variant has been reported in an individual with early-onset atrial fibrillation (eTable8, Choi et al. 2018. PubMed ID: 30535219). This variant is located in the I-band region of the TTN protein. RNAseq studies from heart tissue indicate this exon is not commonly included in TTN mRNA transcripts (PSI of 35%-65%, Roberts et al. 2015. PubMed ID: 25589632). TTN loss-of-function variants occurring in non-constitutively expressed exons (PSI < 90%) are less likely to be disease causing for TTN cardiac-related disorders (Roberts et al. 2015. PubMed ID: 25589632; Schafer et al. 2017. PubMed ID: 27869827; Akhtar et al. 2020. PubMed ID: 32964742). Many cases of recessive TTN-related myopathies in which the individual is compound heterozygous for two loss-of-function variants in TTN have also been reported (Ge et al. 2019. PubMed ID: 31053406; Oates et al. 2018. PubMed ID: 29691892; Rees et al. 2021. PubMed ID: 33449170). This variant is reported in 0.0016% of alleles in individuals of European (Non-Finnish) descent in gnomAD. In summary, this variant is likely pathogenic for autosomal recessive TTN-related congenital titinopathies. However, it is uncertain if this variant would be causative for autosomal dominant TTN-related disorders.

Labcorp Genetics (formerly Invitae), Labcorp
Classification: Likely pathogenic for Dilated cardiomyopathy 1G; Autosomal recessive limb-girdle muscular dystrophy type 2J. Last evaluated: 2025-09-22. Review status: criteria provided, single submitter. Criteria: Invitae Variant Classification Sherloc (09022015). Collection method: clinical testing. Allele origin: germline.
Comment: This sequence change creates a premature translational stop signal (p.Arg7545*) in the TTN gene. While this is not anticipated to result in nonsense mediated decay, it is expected to create a truncated TTN protein. This variant is present in population databases (rs764687326, gnomAD 0.003%). This premature translational stop signal has been observed in individual(s) with atrial fibrillation (PMID: 30535219). ClinVar contains an entry for this variant (Variation ID: 466909). This variant is located in the I band of TTN (PMID: 25589632). Truncating variants in this region have been reported in individuals affected with autosomal recessive centronuclear myopathy (PMID: 23975875, internal data). Truncating variants in this region have also been identified in individuals affected with autosomal dominant dilated cardiomyopathy and/or cardio-related conditions (PMID: 27869827, 32964742, internal data). In summary, the currently available evidence indicates that the variant is pathogenic, but additional data are needed to prove that conclusively. Therefore, this variant has been classified as Likely Pathogenic.

CeGaT Center for Human Genetics Tuebingen
Classification: Uncertain significance. Last evaluated: 2022-09-01. Review status: criteria provided, single submitter. Criteria: CeGaT Center For Human Genetics Tuebingen Variant Classification Criteria Version 2. Collection method: clinical testing. Allele origin: germline. Affected: yes. Observed: 1 variant allele.
Comment: TTN: PVS1:Strong, PM2:Supporting

Fulgent Genetics
Classification: Uncertain significance for Tibial muscular dystrophy; Myopathy, myofibrillar, 9, with early respiratory failure; Dilated cardiomyopathy 1G; Autosomal recessive limb-girdle muscular dystrophy type 2J; Early-onset myopathy with fatal cardiomyopathy; Hypertrophic cardiomyopathy 9. Last evaluated: 2021-09-08. Review status: criteria provided, single submitter. Criteria: ACMG Guidelines, 2015. Collection method: clinical testing. Allele origin: unknown.

GeneDx
Classification: Uncertain significance. Last evaluated: 2021-01-20. Review status: criteria provided, single submitter. Criteria: GeneDx Variant Classification Process June 2021. Collection method: clinical testing. Allele origin: germline. Affected: yes.
Comment: Not observed at a significant frequency in large population cohorts (Lek et al., 2016); Nonsense variant predicted to result in protein truncation or nonsense mediated decay in a region of the TTN gene for which loss-of-function is not a well established mechanism of disease; Observed in an individual with early-onset atrial fibrillation, however, additional clinical information was not provided (Choi et al., 2018); This variant is associated with the following publications: (PMID: 30535219)

Department of Pathology and Laboratory Medicine, Sinai Health System
Classification: Uncertain significance. Review status: no assertion criteria provided. Collection method: clinical testing. Allele origin: unknown. Affected: yes. Study: The Canadian Open Genetics Repository (COGR). Not counted in ClinVar's aggregate classification.
Comment: The TTN p.Arg6301* variant was not identified in the literature nor was it identified in LOVD 3.0. The variant was identified in dbSNP (ID: rs764687326) and ClinVar (classified as uncertain significance by Invitae). The variant was identified in control databases in 3 of 280012 chromosomes at a frequency of 0.00001071 (Genome Aggregation Database March 6, 2019, v2.1.1). The variant was observed in the following populations: Other in 1 of 7108 chromosomes (freq: 0.000141) and European (non-Finnish) in 2 of 128018 chromosomes (freq: 0.000016), but was not observed in the African, Latino, Ashkenazi Jewish, East Asian, European (Finnish), or South Asian populations. The c.18901C>T variant leads to a premature stop codon at position 6301 which is predicted to lead to a truncated or absent protein and loss of function. Loss of function variants of the TTN gene are an established mechanism of disease in dilated cardiomyopathy (DCM), however this transcript is not highly expressed in DCM, therefore the clinical significance of this premature stop codon is not clear. In summary, based on the above information the clinical significance of this variant cannot be determined with certainty at this time. This variant is classified as a variant of uncertain significance.

Literature cited by the submitters: PubMed 30535219 (cited by Labcorp Genetics (formerly Invitae), Labcorp); PubMed 25589632 (cited by Labcorp Genetics (formerly Invitae), Labcorp); PubMed 23975875 (cited by Labcorp Genetics (formerly Invitae), Labcorp); PubMed 27869827 (cited by Labcorp Genetics (formerly Invitae), Labcorp); PubMed 32964742 (cited by Labcorp Genetics (formerly Invitae), Labcorp).

NM_001267550.2(TTN):c.22633C>T (p.Arg7545Ter)

Gene: TTN (titin; minus strand). Cytogenetic location: 2q31.2.
Variant type: single nucleotide variant.
Coding change: c.22633C>T on transcript NM_001267550.2 (MANE Select); coding-DNA position 22633, C replaced by T.
Protein change: p.Arg7545Ter; replaces arginine 7545 with a stop codon.
Molecular consequence: nonsense. On other transcripts: intron variant (3).
Genome position (GRCh38, 1-based): chr2:178,722,030, G>A on the plus strand (C>T on the coding strand, the complement: TTN is on the minus strand). VCF-style: chr2-178722030-G-A. GRCh37 (hg19) VCF-style: chr2-179586757-G-A.
Other names: c.21682C>T, p.Arg7228Ter (NM_001256850.1); c.18901C>T, p.Arg6301Ter (NM_133378.4); c.13282+16052C>T (NM_003319.4); c.13858+16052C>T (NM_133437.4); c.13657+16052C>T (NM_133432.3); short protein forms R7545*, R6301*, R7228*.
Identifiers: ClinVar variation 466909 (VCV000466909.42), dbSNP rs764687326, ClinGen allele CA2000796.